The following is an entry in ClinVar:

NM_000553.6(WRN):c.97-6C>G

Gene: WRN (WRN RecQ like helicase; plus strand). Cytogenetic location: 8p12.
Variant type: single nucleotide variant.
Coding change: c.97-6C>G on transcript NM_000553.6 (MANE Select); 6 bases into the intron before coding-DNA position 97, C replaced by G.
Molecular consequence: intron variant.
Genome position (GRCh38, 1-based): chr8:31,059,147, C>G. VCF-style: chr8-31059147-C-G. GRCh37 (hg19) VCF-style: chr8-30916663-C-G.
Identifiers: ClinVar variation 528109 (VCV000528109.7), dbSNP rs1395618077, ClinGen allele CA580993853.

ClinVar aggregate classification (germline): Uncertain significance (1 of 4 stars; one submission).

Conditions:
Werner syndrome (WRN). Identifiers: Orphanet 902, MedGen C0043119, MONDO:0010196, OMIM 277700.

Allele frequency attached by ClinVar (database versions not stated): gnomAD exomes below 0.00001; TOPMed below 0.00001; gnomAD 0.00001.
gnomAD v4.1: 16 of 1,609,524 alleles (0.00099%); highest among the groups gnomAD compares: Non-Finnish European, 0.001%; no homozygotes.

Submission:

Labcorp Genetics (formerly Invitae), Labcorp
Classification: Uncertain significance for Werner syndrome. Last evaluated: 2024-04-10. Review status: criteria provided, single submitter. Criteria: Invitae Variant Classification Sherloc (09022015). Collection method: clinical testing. Allele origin: germline.
Comment: This sequence change falls in intron 2 of the WRN gene. It does not directly change the encoded amino acid sequence of the WRN protein. This variant is present in population databases (no rsID available, gnomAD 0.0009%). This variant has not been reported in the literature in individuals affected with WRN-related conditions. ClinVar contains an entry for this variant (Variation ID: 528109). Algorithms developed to predict the effect of sequence changes on RNA splicing suggest that this variant may disrupt the consensus splice site. In summary, the available evidence is currently insufficient to determine the role of this variant in disease. Therefore, it has been classified as a Variant of Uncertain Significance.